The following is an entry in ClinVar:

NM_003924.4(PHOX2B):c.67A>G (p.Thr23Ala)

Genes: PHOX2B-AS1 (PHOX2B antisense RNA 1; plus strand), PHOX2B (paired like homeobox 2B; minus strand). Cytogenetic location: 4p13.
Variant type: single nucleotide variant.
Coding change: c.67A>G on transcript NM_003924.4 (MANE Select); coding-DNA position 67, A replaced by G.
Protein change: p.Thr23Ala; replaces threonine 23 with alanine.
Molecular consequence: missense variant. On other transcripts: non-coding transcript variant (1).
Genome position (GRCh38, 1-based): chr4:41,748,544, T>C on the plus strand (A>G on the coding strand, the complement: PHOX2B is on the minus strand). VCF-style: chr4-41748544-T-C. GRCh37 (hg19) VCF-style: chr4-41750561-T-C.
Other names: short protein forms T23A.
Identifiers: ClinVar variation 3888480 (VCV003888480.1).

ClinVar aggregate classification (germline): Uncertain significance (1 of 4 stars; one submission).

Conditions:
Hereditary cancer-predisposing syndrome. Also called: Tumor predisposition; Neoplastic Syndromes, Hereditary; Hereditary Cancer Syndrome; Hereditary neoplastic syndrome. Identifiers: Orphanet 140162, MedGen C0027672, MeSH D009386, MONDO:0015356.

gnomAD v4.1: 2 of 1,613,834 alleles (0.00012%); highest among the groups gnomAD compares: Non-Finnish European, 0.00017%; no homozygotes.

Submission:

Ambry Genetics
Classification: Uncertain significance for Hereditary cancer-predisposing syndrome. Last evaluated: 2025-03-11. Review status: criteria provided, single submitter. Criteria: Ambry Variant Classification Scheme 2023. Collection method: clinical testing. Allele origin: germline.
Comment: The p.T23A variant (also known as c.67A>G), located in coding exon 1 of the PHOX2B gene, results from an A to G substitution at nucleotide position 67. The threonine at codon 23 is replaced by alanine, an amino acid with similar properties. This amino acid position is conserved. In addition, this alteration is predicted to be tolerated by in silico analysis. Based on the available evidence, the clinical significance of this variant remains unclear.